The following is an entry in ClinVar:

ClinVar aggregate classification (germline): Uncertain significance (1 of 4 stars; one submission).

Submission:

Labcorp Genetics (formerly Invitae), Labcorp
Classification: Uncertain significance. Last evaluated: 2021-06-21. Review status: criteria provided, single submitter. Criteria: Invitae Variant Classification Sherloc (09022015). Collection method: clinical testing. Allele origin: germline.
Comment: In summary, the available evidence is currently insufficient to determine the role of this variant in disease. Therefore, it has been classified as a Variant of Uncertain Significance. Nucleotide substitutions within the consensus splice site are a relatively common cause of aberrant splicing (PMID: 17576681, 9536098). Algorithms developed to predict the effect of sequence changes on RNA splicing suggest that this variant may disrupt the consensus splice site, but this prediction has not been confirmed by published transcriptional studies. This variant has not been reported in the literature in individuals with PPA2-related conditions. This variant is not present in population databases (ExAC no frequency). This sequence change falls in intron 9 of the PPA2 gene. It does not directly change the encoded amino acid sequence of the PPA2 protein. It affects a nucleotide within the consensus splice site of the intron.

Literature cited by the submitters: PubMed 17576681; PubMed 9536098.

NM_176869.3(PPA2):c.869+5G>T

Gene: PPA2 (inorganic pyrophosphatase 2; minus strand). Cytogenetic location: 4q24.
Variant type: single nucleotide variant.
Coding change: c.869+5G>T on transcript NM_176869.3 (MANE Select); 5 bases into the intron after coding-DNA position 869, G replaced by T.
Molecular consequence: intron variant.
Genome position (GRCh38, 1-based): chr4:105,396,244, C>A on the plus strand (G>T on the coding strand, the complement: PPA2 is on the minus strand). VCF-style: chr4-105396244-C-A. GRCh37 (hg19) VCF-style: chr4-106317401-C-A.
Other names: c.371+5G>T (NM_176867.3); c.563+5G>T (NM_176866.2); c.782+5G>T (NM_006903.4).
Identifiers: ClinVar variation 1356231 (VCV001356231.6), dbSNP rs1560611194, ClinGen allele CA2573137906.